The following is an entry in ClinVar:

NM_181882.3(PRX):c.104C>T (p.Ala35Val)

Genes: PRX (periaxin; minus strand), LOC130064454 (ATAC-STARR-seq lymphoblastoid active region 14650; plus strand). Cytogenetic location: 19q13.2.
Variant type: single nucleotide variant.
Coding change: c.104C>T on transcript NM_181882.3 (MANE Select); coding-DNA position 104, C replaced by T.
Protein change: p.Ala35Val; replaces alanine 35 with valine.
Molecular consequence: missense variant.
Genome position (GRCh38, 1-based): chr19:40,403,786, G>A on the plus strand (C>T on the coding strand, the complement: PRX is on the minus strand). VCF-style: chr19-40403786-G-A. GRCh37 (hg19) VCF-style: chr19-40909693-G-A.
Other names: c.104C>T, p.Ala35Val (NM_020956.2); short protein forms A35V.
Identifiers: ClinVar variation 1014853 (VCV001014853.9), dbSNP rs138047753, ClinGen allele CA9444585.
Genomic context (GRCh38, chr19:40,403,786, plus strand): 5'-CTGGCGGCGGGTGAGTCCTCGCGCAGCTCCCGAACGAAGATTCCCTCTTTGCCGCCGCCC[G>A]CTACGTTGATGCCGCTGACCCCGGTCTGCGCCTCCGTCTCCACGATAATTTCCACCAACT-3'
Protein context (NP_870998.2, residues 25-45): AQTGVSGINV[Ala35Val]GGGKEGIFVR

ClinVar aggregate classification (germline): Uncertain significance. Review status: criteria provided, multiple submitters, no conflicts (2 of 4 stars). 2 submissions from 2 submitters: Uncertain significance (2). Last evaluated 2025-01-13.

Conditions:
Charcot-Marie-Tooth disease type 4. Also called: Charcot-Marie-Tooth, Type 4; Charcot-Marie-Tooth disease, type IV. Identifiers: Orphanet 64749, MedGen C4082197, MONDO:0018995.
Inborn genetic diseases. Identifiers: MedGen C0950123, MeSH D030342.

Allele frequency attached by ClinVar (database versions not stated): TOPMed 0.00001; 1000 Genomes Project 0.00020; 1000 Genomes Project 30x 0.00047.
gnomAD v4.1: 23 of 1,606,328 alleles (0.0014%); highest among the groups gnomAD compares: Admixed American, 0.0084%; no homozygotes.

Submissions (2):

Labcorp Genetics (formerly Invitae), Labcorp
Classification: Uncertain significance for Charcot-Marie-Tooth disease type 4. Last evaluated: 2025-01-13. Review status: criteria provided, single submitter. Criteria: Invitae Variant Classification Sherloc (09022015). Collection method: clinical testing. Allele origin: germline.
Comment: This sequence change replaces alanine, which is neutral and non-polar, with valine, which is neutral and non-polar, at codon 35 of the PRX protein (p.Ala35Val). This variant is present in population databases (rs138047753, gnomAD 0.03%). This variant has not been reported in the literature in individuals affected with PRX-related conditions. ClinVar contains an entry for this variant (Variation ID: 1014853). An algorithm developed to predict the effect of missense changes on protein structure and function (PolyPhen-2) suggests that this variant is likely to be disruptive. In summary, the available evidence is currently insufficient to determine the role of this variant in disease. Therefore, it has been classified as a Variant of Uncertain Significance.

Ambry Genetics
Classification: Uncertain significance for Inborn genetic diseases. Last evaluated: 2023-12-16. Review status: criteria provided, single submitter. Criteria: Ambry Variant Classification Scheme 2023. Collection method: clinical testing. Allele origin: germline.